The following is an entry in ClinVar:

ClinVar aggregate classification (germline): Uncertain significance (1 of 4 stars; one submission).

Submission:

Labcorp Genetics (formerly Invitae), Labcorp
Classification: Uncertain significance. Last evaluated: 2022-04-12. Review status: criteria provided, single submitter. Criteria: Invitae Variant Classification Sherloc (09022015). Collection method: clinical testing. Allele origin: germline.
Comment: This sequence change replaces methionine, which is neutral and non-polar, with isoleucine, which is neutral and non-polar, at codon 625 of the DENND5A protein (p.Met625Ile). This variant is not present in population databases (gnomAD no frequency). This variant has not been reported in the literature in individuals affected with DENND5A-related conditions. Algorithms developed to predict the effect of missense changes on protein structure and function (SIFT, PolyPhen-2, Align-GVGD) all suggest that this variant is likely to be tolerated. In summary, the available evidence is currently insufficient to determine the role of this variant in disease. Therefore, it has been classified as a Variant of Uncertain Significance.

NM_015213.4(DENND5A):c.1875G>A (p.Met625Ile)

Gene: DENND5A (DENN domain containing 5A; minus strand). Cytogenetic location: 11p15.4.
Variant type: single nucleotide variant.
Coding change: c.1875G>A on transcript NM_015213.4 (MANE Select); coding-DNA position 1875, G replaced by A.
Protein change: p.Met625Ile; replaces methionine 625 with isoleucine.
Molecular consequence: missense variant. On other transcripts: non-coding transcript variant (1).
Genome position (GRCh38, 1-based): chr11:9,178,163, C>T on the plus strand (G>A on the coding strand, the complement: DENND5A is on the minus strand). VCF-style: chr11-9178163-C-T. GRCh37 (hg19) VCF-style: chr11-9199710-C-T.
Other names: c.1875G>A, p.Met625Ile (NM_001243254.2, NM_001348748.1); c.1803G>A, p.Met601Ile (NM_001348749.2); c.1587G>A, p.Met529Ile (NM_001348750.2); short protein forms M529I, M601I, M625I.
Identifiers: ClinVar variation 2091984 (VCV002091984.1), dbSNP rs2493827165, ClinGen allele CA379614075.
Genomic context (GRCh38, chr11:9,178,163, plus strand): 5'-CTGAATGTACATTTCCAAGGAGGCCTTACCTGCTTCATCCACAGTGGTACACTTCTGGTA[C>T]ATGGATGTACGGAGAGTAGGTGTCCGAACATTCAACAGCCTGATCTTGTCAACTCGGGAA-3'
Protein context (NP_056028.2, residues 615-635): NVRTPTLRTS[Met625Ile]YQKCTTVDEA